The following is an entry in ClinVar:

ClinVar aggregate classification (germline): Uncertain significance (1 of 4 stars; one submission).

Conditions:
Aicardi-Goutieres syndrome 3. Identifiers: Orphanet 51, MedGen C1835916, MONDO:0012471, OMIM 610329.

Allele frequency attached by ClinVar (database versions not stated): gnomAD exomes below 0.00001.
gnomAD v4.1: 3 of 1,614,268 alleles (0.00019%); highest among the groups gnomAD compares: South Asian, 0.0011%; no homozygotes.

Submission:

Labcorp Genetics (formerly Invitae), Labcorp
Classification: Uncertain significance for Aicardi-Goutieres syndrome 3. Last evaluated: 2022-05-04. Review status: criteria provided, single submitter. Criteria: Invitae Variant Classification Sherloc (09022015). Collection method: clinical testing. Allele origin: germline.
Comment: In summary, the available evidence is currently insufficient to determine the role of this variant in disease. Therefore, it has been classified as a Variant of Uncertain Significance. Algorithms developed to predict the effect of missense changes on protein structure and function output the following: SIFT: "Tolerated"; PolyPhen-2: "Benign"; Align-GVGD: "Class C0". The lysine amino acid residue is found in multiple mammalian species, which suggests that this missense change does not adversely affect protein function. This variant has not been reported in the literature in individuals affected with RNASEH2C-related conditions. This variant is not present in population databases (gnomAD no frequency). This sequence change replaces glutamic acid, which is acidic and polar, with lysine, which is basic and polar, at codon 108 of the RNASEH2C protein (p.Glu108Lys).

NM_032193.4(RNASEH2C):c.322G>A (p.Glu108Lys)

Gene: RNASEH2C (ribonuclease H2 subunit C; minus strand). Cytogenetic location: 11q13.1.
Variant type: single nucleotide variant.
Coding change: c.322G>A on transcript NM_032193.4 (MANE Select); coding-DNA position 322, G replaced by A.
Protein change: p.Glu108Lys; replaces glutamic acid 108 with lysine.
Molecular consequence: missense variant.
Genome position (GRCh38, 1-based): chr11:65,720,268, C>T on the plus strand (G>A on the coding strand, the complement: RNASEH2C is on the minus strand). VCF-style: chr11-65720268-C-T. GRCh37 (hg19) VCF-style: chr11-65487739-C-T.
Other names: short protein forms E108K.
Identifiers: ClinVar variation 2133389 (VCV002133389.4), dbSNP rs1857350040, ClinGen allele CA381298627.